The following is an entry in ClinVar:

ClinVar aggregate classification (germline): Uncertain significance (1 of 4 stars; one submission).

gnomAD v4.1: 1 of 1,534,618 alleles (0.000065%); highest among the groups gnomAD compares: Non-Finnish European, 0.000087%; no homozygotes.

Submission:

Labcorp Genetics (formerly Invitae), Labcorp
Classification: Uncertain significance. Last evaluated: 2025-11-24. Review status: criteria provided, single submitter. Criteria: Invitae Variant Classification Sherloc (09022015). Collection method: clinical testing. Allele origin: germline.
Comment: This sequence change replaces arginine, which is basic and polar, with histidine, which is basic and polar, at codon 60 of the FBXW4 protein (p.Arg60His). The frequency data for this variant in the population databases is considered unreliable, as metrics indicate poor data quality at this position in the gnomAD database. This variant has not been reported in the literature in individuals affected with FBXW4-related conditions. An algorithm developed to predict the effect of missense changes on protein structure and function (PolyPhen-2) suggests that this variant is likely to be tolerated. In summary, the available evidence is currently insufficient to determine the role of this variant in disease. Therefore, it has been classified as a Variant of Uncertain Significance.

NM_022039.4(FBXW4):c.644G>A (p.Arg215His)

Genes: FBXW4 (F-box and WD repeat domain containing 4; minus strand), LOC130004563 (ATAC-STARR-seq lymphoblastoid silent region 2723; plus strand). Cytogenetic location: 10q24.32.
Variant type: single nucleotide variant.
Coding change: c.644G>A on transcript NM_022039.4 (MANE Select); coding-DNA position 644, G replaced by A.
Protein change: p.Arg215His; replaces arginine 215 with histidine.
Molecular consequence: missense variant. On other transcripts: non-coding transcript variant (1), intron variant (1).
Genome position (GRCh38, 1-based): chr10:101,694,462, C>T on the plus strand (G>A on the coding strand, the complement: FBXW4 is on the minus strand). VCF-style: chr10-101694462-C-T. GRCh37 (hg19) VCF-style: chr10-103454219-C-T.
Other names: c.-2+778G>A (NM_001323541.2); short protein forms R215H.
Identifiers: ClinVar variation 4728492 (VCV004728492.1).